The following is an entry in ClinVar:

NM_001173990.3(TMEM216):c.22A>G (p.Met8Val)

Gene: TMEM216 (transmembrane protein 216; plus strand). Cytogenetic location: 11q12.2.
Variant type: single nucleotide variant.
Coding change: c.22A>G on transcript NM_001173990.3 (MANE Select); coding-DNA position 22, A replaced by G.
Protein change: p.Met8Val; replaces methionine 8 with valine.
Molecular consequence: missense variant. On other transcripts: 5 prime UTR variant (2).
Genome position (GRCh38, 1-based): chr11:61,392,653, A>G. VCF-style: chr11-61392653-A-G. GRCh37 (hg19) VCF-style: chr11-61160125-A-G.
Other names: c.22A>G (NM_001173990.2); c.22A>G, p.Met8Val (NM_001173991.3); c.-176A>G (NM_001330285.2, NM_016499.6); short protein forms M8V.
Identifiers: ClinVar variation 1937273 (VCV001937273.5), dbSNP rs1565087993, ClinGen allele CA380684492.

ClinVar aggregate classification (germline): Uncertain significance. Review status: criteria provided, multiple submitters, no conflicts (2 of 4 stars). 3 submissions from 3 submitters: Uncertain significance (3). Last evaluated 2026-01-06.

Conditions:
Meckel syndrome, type 2 (MKS2). Also called: MKS2-Related Meckel Syndrome; MECKEL-GRUBER SYNDROME, TYPE 2. Identifiers: Orphanet 564, MedGen C1864148, MONDO:0011296, OMIM 603194.
Joubert syndrome 2 (JBTS2). Also called: CEREBELLOOCULORENAL SYNDROME 2. Identifiers: Orphanet 2318, MedGen C1842577, MONDO:0011963, OMIM 608091.
Inborn genetic diseases. Identifiers: MedGen C0950123, MeSH D030342.
Joubert syndrome. Also called: CEREBELLOPARENCHYMAL DISORDER IV; JOUBERT-BOLTSHAUSER SYNDROME; Familial aplasia of the vermis. Identifiers: Orphanet 475, MedGen C5979921, MONDO:0018772.

Allele frequency attached by ClinVar (database versions not stated): gnomAD exomes 0.00001; gnomAD 0.00003; TOPMed 0.00008.
gnomAD v4.1: 10 of 1,535,794 alleles (0.00065%); highest among the groups gnomAD compares: Admixed American, 0.012%; no homozygotes.

Submissions (3):

Labcorp Genetics (formerly Invitae), Labcorp
Classification: Uncertain significance for Joubert syndrome. Last evaluated: 2026-01-06. Review status: criteria provided, single submitter. Criteria: Invitae Variant Classification Sherloc (09022015). Collection method: clinical testing. Allele origin: germline.
Comment: This sequence change replaces methionine, which is neutral and non-polar, with valine, which is neutral and non-polar, at codon 8 of the TMEM216 protein (p.Met8Val). This variant is not present in population databases (gnomAD no frequency). This variant has not been reported in the literature in individuals affected with TMEM216-related conditions. ClinVar contains an entry for this variant (Variation ID: 1937273). An algorithm developed to predict the effect of missense changes on protein structure and function (PolyPhen-2) suggests that this variant is likely to be tolerated. In summary, the available evidence is currently insufficient to determine the role of this variant in disease. Therefore, it has been classified as a Variant of Uncertain Significance.

Ambry Genetics
Classification: Uncertain significance for Inborn genetic diseases. Last evaluated: 2024-10-08. Review status: criteria provided, single submitter. Criteria: Ambry Variant Classification Scheme 2023. Collection method: clinical testing. Allele origin: germline.

Fulgent Genetics
Classification: Uncertain significance for Meckel syndrome, type 2; Joubert syndrome 2. Last evaluated: 2024-06-06. Review status: criteria provided, single submitter. Criteria: ACMG Guidelines, 2015. Collection method: clinical testing. Allele origin: germline.